The following is an entry in ClinVar:

NM_182914.3(SYNE2):c.8260A>G (p.Ile2754Val)

Gene: SYNE2 (spectrin repeat containing nuclear envelope protein 2; plus strand). Cytogenetic location: 14q23.2.
Variant type: single nucleotide variant.
Coding change: c.8260A>G on transcript NM_182914.3 (MANE Select); coding-DNA position 8260, A replaced by G.
Protein change: p.Ile2754Val; replaces isoleucine 2754 with valine.
Molecular consequence: missense variant.
Genome position (GRCh38, 1-based): chr14:64,052,173, A>G. VCF-style: chr14-64052173-A-G. GRCh37 (hg19) VCF-style: chr14-64518891-A-G.
Other names: c.8260A>G, p.Ile2754Val (NM_015180.6); short protein forms I2754V.
Identifiers: ClinVar variation 2436803 (VCV002436803.5), dbSNP rs746673639, ClinGen allele CA7221076.
Genomic context (GRCh38, chr14:64,052,173, plus strand): 5'-AACAAGATGAAAGAGACTATCTTATGGGCCAAGAATTTGTTGGGTGAACTTAATCCCTCC[A>G]TTCCCCTTCTCCCAGATGACATTCTTTCACAGATCAGAAAGTGCAAAGTGACACATGATG-3'
Protein context (NP_878918.2, residues 2744-2764): KNLLGELNPS[Ile2754Val]PLLPDDILSQ

ClinVar aggregate classification (germline): Uncertain significance. Review status: criteria provided, multiple submitters, no conflicts (2 of 4 stars). 3 submissions from 3 submitters: Uncertain significance (3). Last evaluated 2025-08-28.

Conditions:
Emery-Dreifuss muscular dystrophy 5, autosomal dominant (EDMD5). Also called: EMERY-DREIFUSS MUSCULAR DYSTROPHY 5. Identifiers: Orphanet 261, MedGen C2751805, MONDO:0013072, OMIM 612999.

Allele frequency attached by ClinVar (database versions not stated): TOPMed below 0.00001; ExAC 0.00001; gnomAD 0.00001; gnomAD exomes 0.00001.
gnomAD v4.1: 10 of 1,614,052 alleles (0.00062%); highest among the groups gnomAD compares: Non-Finnish European, 0.00085%; no homozygotes.

Submissions (3):

Ambry Genetics
Classification: Uncertain significance. Last evaluated: 2025-08-28. Review status: criteria provided, single submitter. Criteria: Ambry Variant Classification Scheme 2023. Collection method: clinical testing. Allele origin: germline.

Labcorp Genetics (formerly Invitae), Labcorp
Classification: Uncertain significance for Emery-Dreifuss muscular dystrophy 5, autosomal dominant. Last evaluated: 2025-03-31. Review status: criteria provided, single submitter. Criteria: Invitae Variant Classification Sherloc (09022015). Collection method: clinical testing. Allele origin: germline.
Comment: This sequence change replaces isoleucine, which is neutral and non-polar, with valine, which is neutral and non-polar, at codon 2754 of the SYNE2 protein (p.Ile2754Val). This variant is present in population databases (rs746673639, gnomAD 0.002%). This variant has not been reported in the literature in individuals affected with SYNE2-related conditions. ClinVar contains an entry for this variant (Variation ID: 2436803). An algorithm developed to predict the effect of missense changes on protein structure and function outputs the following: PolyPhen-2: "Benign". The valine amino acid residue is found in multiple mammalian species, which suggests that this missense change does not adversely affect protein function. In summary, the available evidence is currently insufficient to determine the role of this variant in disease. Therefore, it has been classified as a Variant of Uncertain Significance.

Revvity Omics, Revvity
Classification: Uncertain significance for Emery-Dreifuss muscular dystrophy 5, autosomal dominant. Last evaluated: 2019-12-12. Review status: criteria provided, single submitter. Criteria: ACMG Guidelines, 2015. Collection method: clinical testing. Allele origin: germline.